The following is an entry in ClinVar:

NM_001267550.2(TTN):c.21220del (p.Ser7074fs)

Genes: TTN (titin; minus strand), LOC126806428 (BRD4-independent group 4 enhancer GRCh37_chr2:179588362-179589561; plus strand). Cytogenetic location: 2q31.2.
Variant type: Deletion.
Coding change: c.21220del on transcript NM_001267550.2 (MANE Select); coding-DNA position 21220, one base deleted (T; older notation c.21220delT).
Protein change: p.Ser7074fs; shifts the reading frame from serine 7074.
Molecular consequence: frameshift variant. On other transcripts: intron variant (3).
Genome position (GRCh38, 1-based): chr2:178,724,039, A deleted on the plus strand (T on the coding strand, the reverse complement: TTN is on the minus strand); the first of 3 consecutive A bases (chr2:178,724,039-178,724,041); deleting any one gives the same sequence. VCF-style (leftmost placement, unchanged base first): chr2-178724038-GA-G. GRCh37 (hg19) VCF-style: chr2-179588765-GA-G.
Other names: c.20269del, p.Ser6757fs (NM_001256850.1); c.17488del, p.Ser5830fs (NM_133378.4); c.13282+14043del (NM_003319.4); c.13858+14043del (NM_133437.4); c.13657+14043del (NM_133432.3); short protein forms S6757fs, S5830fs, S7074fs.
Identifiers: ClinVar variation 1357897 (VCV001357897.8), dbSNP rs2078907250, ClinGen allele CA2573133996.
Genomic context (GRCh38, chr2:178,724,038, plus strand): 5'-AATGTGGTTTGGTACTTTGCTCCACTGACAATCTTGGTTTTCTCATGAAACCAGGCAACT[GA>G]AATAGGTGATGATCCAGCTACTTTGCATTCCAAGATGCAAGAAGCACCTAACACCCCACC-3'

ClinVar aggregate classification (germline): Likely pathogenic (1 of 4 stars; one submission).

Conditions:
Dilated cardiomyopathy 1G (CMD1G). Identifiers: Orphanet 154, MedGen C1858763, MONDO:0011400, OMIM 604145.
Autosomal recessive limb-girdle muscular dystrophy type 2J (LGMDR10). Also called: Limb-girdle muscular dystrophy, type 2J; MUSCULAR DYSTROPHY, LIMB-GIRDLE, AUTOSOMAL RECESSIVE 10. Identifiers: Orphanet 140922, MedGen C1837342, MONDO:0012127, OMIM 608807.

Submission:

Labcorp Genetics (formerly Invitae), Labcorp
Classification: Likely pathogenic for Dilated cardiomyopathy 1G; Autosomal recessive limb-girdle muscular dystrophy type 2J. Last evaluated: 2024-10-18. Review status: criteria provided, single submitter. Criteria: Invitae Variant Classification Sherloc (09022015). Collection method: clinical testing. Allele origin: germline.
Comment: This sequence change creates a premature translational stop signal (p.Ser7074Glnfs*30) in the TTN gene. While this is not anticipated to result in nonsense mediated decay, it is expected to create a truncated TTN protein. This variant is not present in population databases (gnomAD no frequency). This variant has not been reported in the literature in individuals affected with TTN-related conditions. ClinVar contains an entry for this variant (Variation ID: 1357897). This variant is located in the I band of TTN (PMID: 25589632). Truncating variants in this region have been reported in individuals affected with autosomal recessive centronuclear myopathy (PMID: 23975875, internal data). Truncating variants in this region have also been identified in individuals affected with autosomal dominant dilated cardiomyopathy and/or cardio-related conditions (PMID: 27869827, 32964742, internal data). In summary, the currently available evidence indicates that the variant is pathogenic, but additional data are needed to prove that conclusively. Therefore, this variant has been classified as Likely Pathogenic.

Literature cited by the submitters: PubMed 25589632; PubMed 23975875; PubMed 27869827; PubMed 32964742.